The following is an entry in ClinVar:

ClinVar aggregate classification (germline): Benign/Likely benign. Review status: criteria provided, multiple submitters, no conflicts (2 of 4 stars). 4 submissions from 4 submitters: Benign (1); Likely benign (2). 1 of the submissions does not count toward it. Last evaluated 2026-07-09.

Conditions:
SMARCA4-related disorder. Also called: SMARCA4-related condition.
Hereditary cancer-predisposing syndrome. Also called: Hereditary neoplastic syndrome; Neoplastic Syndromes, Hereditary; Tumor predisposition; Hereditary Cancer Syndrome. Identifiers: Orphanet 140162, MedGen C0027672, MeSH D009386, MONDO:0015356.
Rhabdoid tumor predisposition syndrome 2 (RTPS2). Identifiers: Orphanet 231108, Orphanet 69077, MedGen C2750074, MONDO:0013224, OMIM 613325.

Allele frequency attached by ClinVar (database versions not stated): gnomAD 0.00001; TOPMed below 0.00001.
gnomAD v4.1: 1 of 1,570,836 alleles (0.000064%); highest among the groups gnomAD compares: African/African-American, 0.0014%; no homozygotes.

Submissions (4):

Myriad Genetics, Inc.
Classification: Benign for Rhabdoid tumor predisposition syndrome 2. Last evaluated: 2026-07-09. Review status: criteria provided, single submitter. Criteria: Myriad Autosomal Dominant, Autosomal Recessive and X-Linked Classification Criteria (2023). Collection method: clinical testing. Allele origin: unknown.
Comment: This variant is considered benign. This variant is a silent/synonymous amino acid change and it is not expected to impact splicing.

Labcorp Genetics (formerly Invitae), Labcorp
Classification: Likely benign for Rhabdoid tumor predisposition syndrome 2. Last evaluated: 2024-02-24. Review status: criteria provided, single submitter. Criteria: Invitae Variant Classification Sherloc (09022015). Collection method: clinical testing. Allele origin: germline.

Ambry Genetics
Classification: Likely benign for Hereditary cancer-predisposing syndrome. Last evaluated: 2019-06-09. Review status: criteria provided, single submitter. Criteria: Ambry Variant Classification Scheme 2023. Collection method: clinical testing. Allele origin: germline.

PreventionGenetics, part of Exact Sciences
Classification: Likely benign for SMARCA4-related condition. Last evaluated: 2021-08-04. Review status: no assertion criteria provided. Collection method: clinical testing. Allele origin: germline. Not counted in ClinVar's aggregate classification.
Comment: This variant is classified as likely benign based on ACMG/AMP sequence variant interpretation guidelines (Richards et al. 2015 PMID: 25741868, with internal and published modifications).

NM_003072.5(SMARCA4):c.948T>G (p.Pro316=)

Gene: SMARCA4 (SWI/SNF related BAF chromatin remodeling complex subunit ATPase 4; plus strand). Cytogenetic location: 19p13.2.
Variant type: single nucleotide variant.
Coding change: c.948T>G on transcript NM_003072.5 (MANE Select); coding-DNA position 948, T replaced by G.
Protein change: p.Pro316=; no amino-acid change (proline 316 retained).
Molecular consequence: synonymous variant. On other transcripts: non-coding transcript variant (1).
Genome position (GRCh38, 1-based): chr19:10,987,754, T>G. VCF-style: chr19-10987754-T-G. GRCh37 (hg19) VCF-style: chr19-11098430-T-G.
Other names: c.948T>G, p.Pro316= (NM_001128844.3, NM_001128845.2, NM_001128846.2 and 4 more transcripts).
Identifiers: ClinVar variation 823281 (VCV000823281.16), dbSNP rs1599968129, ClinGen allele CA505489664.